The following is an entry in ClinVar:

NM_000785.4(CYP27B1):c.1215+5del

Gene: CYP27B1 (cytochrome P450 family 27 subfamily B member 1; minus strand). Cytogenetic location: 12q14.1.
Variant type: Deletion.
Coding change: c.1215+5del on transcript NM_000785.4 (MANE Select); 5 bases into the intron after coding-DNA position 1215, one base deleted (G; older notation c.1215+5delG).
Molecular consequence: intron variant.
Genome position (GRCh38, 1-based): chr12:57,764,093, C deleted on the plus strand (G on the coding strand, the reverse complement: CYP27B1 is on the minus strand). VCF-style (leftmost placement, unchanged base first): chr12-57764092-AC-A. GRCh37 (hg19) VCF-style: chr12-58157875-AC-A.
Identifiers: ClinVar variation 2118613 (VCV002118613.1), dbSNP rs2540915533, ClinGen allele CA2580086675.

ClinVar aggregate classification (germline): Uncertain significance (1 of 4 stars; one submission).

Submission:

Labcorp Genetics (formerly Invitae), Labcorp
Classification: Uncertain significance. Last evaluated: 2022-05-30. Review status: criteria provided, single submitter. Criteria: Invitae Variant Classification Sherloc (09022015). Collection method: clinical testing. Allele origin: germline.
Comment: This sequence change falls in intron 7 of the CYP27B1 gene. It does not directly change the encoded amino acid sequence of the CYP27B1 protein. It affects a nucleotide within the consensus splice site. This variant is not present in population databases (gnomAD no frequency). This variant has not been reported in the literature in individuals affected with CYP27B1-related conditions. Variants that disrupt the consensus splice site are a relatively common cause of aberrant splicing (PMID: 17576681, 9536098). Algorithms developed to predict the effect of sequence changes on RNA splicing suggest that this variant may disrupt the consensus splice site. In summary, the available evidence is currently insufficient to determine the role of this variant in disease. Therefore, it has been classified as a Variant of Uncertain Significance.

Literature cited by the submitters: PubMed 17576681; PubMed 9536098.